The following is an entry in ClinVar:

NM_139318.5(KCNH5):c.2734G>A (p.Glu912Lys)

Gene: KCNH5 (potassium voltage-gated channel subfamily H member 5; minus strand). Cytogenetic location: 14q23.2.
Variant type: single nucleotide variant.
Coding change: c.2734G>A on transcript NM_139318.5 (MANE Select); coding-DNA position 2734, G replaced by A.
Protein change: p.Glu912Lys; replaces glutamic acid 912 with lysine.
Molecular consequence: missense variant. On other transcripts: 3 prime UTR variant (1).
Genome position (GRCh38, 1-based): chr14:62,707,741, C>T on the plus strand (G>A on the coding strand, the complement: KCNH5 is on the minus strand). VCF-style: chr14-62707741-C-T. GRCh37 (hg19) VCF-style: chr14-63174459-C-T.
Other names: c.*701G>A (NM_172375.3); c.2734G>A (NM_139318.3); short protein forms E912K.
Identifiers: ClinVar variation 2829983 (VCV002829983.4), dbSNP rs2502652758, ClinGen allele CA390099953.
Genomic context (GRCh38, chr14:62,707,741, plus strand): 5'-CTAGGGCAGTCATTCTGCAGCTGAGCAGCTGGATGTCCTCTTTGAGTTCGTGTTTGACTT[C>T]CTGCAGTGTGGTCTGTAAGGCCTGCTCGGGGATGGGATAAAAGGGGTGCTTGGCATCAGC-3'
Protein context (NP_647479.2, residues 902-922): PEQALQTTLQ[Glu912Lys]VKHELKEDIQ

ClinVar aggregate classification (germline): Uncertain significance. Review status: criteria provided, multiple submitters, no conflicts (2 of 4 stars). 2 submissions from 2 submitters: Uncertain significance (2). Last evaluated 2023-12-20.

Conditions:
Inborn genetic diseases. Identifiers: MedGen C0950123, MeSH D030342.
Early-infantile DEE. Also called: Early infantile epileptic encephalopathy; Early infantile epileptic encephalopathy with suppression bursts; Ohtahara syndrome. Identifiers: Orphanet 1934, MedGen C0393706, MONDO:0800491.

Submissions (2):

Ambry Genetics
Classification: Uncertain significance for Inborn genetic diseases. Last evaluated: 2023-12-20. Review status: criteria provided, single submitter. Criteria: Ambry Variant Classification Scheme 2023. Collection method: clinical testing. Allele origin: germline.
Comment: The c.2734G>A (p.E912K) alteration is located in exon 11 (coding exon 11) of the KCNH5 gene. This alteration results from a G to A substitution at nucleotide position 2734, causing the glutamic acid (E) at amino acid position 912 to be replaced by a lysine (K). This variant was not reported in population-based cohorts in the Genome Aggregation Database (gnomAD). This amino acid position is highly conserved in available vertebrate species. This alteration is predicted to be deleterious by in silico analysis. Based on insufficient or conflicting evidence, the clinical significance of this alteration remains unclear.

Labcorp Genetics (formerly Invitae), Labcorp
Classification: Uncertain significance for Early-infantile DEE. Last evaluated: 2023-01-18. Review status: criteria provided, single submitter. Criteria: Invitae Variant Classification Sherloc (09022015). Collection method: clinical testing. Allele origin: germline.
Comment: This variant has not been reported in the literature in individuals affected with KCNH5-related conditions. Algorithms developed to predict the effect of missense changes on protein structure and function (SIFT, PolyPhen-2, Align-GVGD) all suggest that this variant is likely to be tolerated. In summary, the available evidence is currently insufficient to determine the role of this variant in disease. Therefore, it has been classified as a Variant of Uncertain Significance. This sequence change replaces glutamic acid, which is acidic and polar, with lysine, which is basic and polar, at codon 912 of the KCNH5 protein (p.Glu912Lys). This variant is not present in population databases (gnomAD no frequency).